The following is an entry in ClinVar:

ClinVar aggregate classification (germline): Uncertain significance. Review status: criteria provided, multiple submitters, no conflicts (2 of 4 stars). 2 submissions from 2 submitters: Uncertain significance (2). Last evaluated 2025-05-25.

Conditions:
Inborn genetic diseases. Identifiers: MedGen C0950123, MeSH D030342.

gnomAD v4.1: 152 of 1,543,056 alleles (0.0099%); highest among the groups gnomAD compares: Non-Finnish European, 0.011%; no homozygotes.

Submissions (2):

Women's Health and Genetics/Laboratory Corporation of America, LabCorp
Classification: Uncertain significance. Last evaluated: 2025-05-25. Review status: criteria provided, single submitter. Criteria: LabCorp Variant Classification Summary - May 2015. Collection method: clinical testing. Allele origin: germline.
Comment: Variant summary: PIEZO1 c.7037C>T (p.Ser2346Leu) results in a non-conservative amino acid change in the encoded protein sequence. Algorithms developed to predict the effect of missense changes on protein structure and function are either unavailable or do not agree on the potential impact of this missense change. The variant allele was found at a frequency of 6.1e-05 in 147348 control chromosomes. The available data on variant occurrences in the general population are insufficient to allow any conclusion about variant significance. To our knowledge, no occurrence of c.7037C>T in individuals affected with Dehydrated Hereditary Stomatocytosis With Or Without Pseudohyperkalemia And/or Perinatal Edema and no experimental evidence demonstrating its impact on protein function have been reported. ClinVar contains an entry for this variant (Variation ID: 3418190). Based on the evidence outlined above, the variant was classified as uncertain significance.

Ambry Genetics
Classification: Uncertain significance for Inborn genetic diseases. Last evaluated: 2024-08-28. Review status: criteria provided, single submitter. Criteria: Ambry Variant Classification Scheme 2023. Collection method: clinical testing. Allele origin: germline.

NM_001142864.4(PIEZO1):c.7037C>T (p.Ser2346Leu)

Gene: PIEZO1 (piezo type mechanosensitive ion channel component 1 (Er blood group); minus strand). Cytogenetic location: 16q24.3.
Variant type: single nucleotide variant.
Coding change: c.7037C>T on transcript NM_001142864.4 (MANE Select); coding-DNA position 7037, C replaced by T.
Protein change: p.Ser2346Leu; replaces serine 2346 with leucine.
Molecular consequence: missense variant.
Genome position (GRCh38, 1-based): chr16:88,716,373, G>A on the plus strand (C>T on the coding strand, the complement: PIEZO1 is on the minus strand). VCF-style: chr16-88716373-G-A. GRCh37 (hg19) VCF-style: chr16-88782781-G-A.
Other names: short protein forms S2346L.
Identifiers: ClinVar variation 3418190 (VCV003418190.2).